The following is an entry in ClinVar:

ClinVar aggregate classification (germline): Benign. Review status: criteria provided, multiple submitters, no conflicts (2 of 4 stars). 3 submissions from 3 submitters: Benign (3). Last evaluated 2026-08-01.

Allele frequency attached by ClinVar (database versions not stated): gnomAD 0.00964 and 0.00965; gnomAD exomes 0.00989 and 0.01241; ESP Exome Variant Server 0.00992; ExAC 0.01031; 1000 Genomes Project 30x 0.00468; 1000 Genomes Project 0.00479; TOPMed 0.00745.
gnomAD v4.1: 19,490 of 1,613,912 alleles (1.2%); highest among the groups gnomAD compares: Non-Finnish European, 1.4%; 157 homozygotes.

Submissions (3):

CeGaT Center for Human Genetics Tuebingen
Classification: Benign. Last evaluated: 2026-08-01. Review status: criteria provided, single submitter. Criteria: CeGaT Center For Human Genetics Tuebingen Variant Classification Criteria Version 2. Collection method: clinical testing. Allele origin: germline. Affected: yes. Observed: 15 variant alleles.
Comment: LIG1: BP4, BP7, BS1, BS2

Labcorp Genetics (formerly Invitae), Labcorp
Classification: Benign. Last evaluated: 2026-02-04. Review status: criteria provided, single submitter. Criteria: Invitae Variant Classification Sherloc (09022015). Collection method: clinical testing. Allele origin: germline.

Breakthrough Genomics
Classification: Benign. Review status: criteria provided, single submitter. Criteria: ACMG Guidelines, 2015. Collection method: not provided. Allele origin: germline. Inheritance: Autosomal recessive inheritance. Affected: yes.

NM_000234.3(LIG1):c.2652G>A (p.Pro884=)

Gene: LIG1 (DNA ligase 1; minus strand). Cytogenetic location: 19q13.33.
Variant type: single nucleotide variant.
Coding change: c.2652G>A on transcript NM_000234.3 (MANE Select); coding-DNA position 2652, G replaced by A.
Protein change: p.Pro884=; no amino-acid change (proline 884 retained).
Molecular consequence: synonymous variant. On other transcripts: non-coding transcript variant (6).
Genome position (GRCh38, 1-based): chr19:48,115,897, C>T on the plus strand (G>A on the coding strand, the complement: LIG1 is on the minus strand). VCF-style: chr19-48115897-C-T. GRCh37 (hg19) VCF-style: chr19-48619154-C-T.
Other names: c.2559G>A, p.Pro853= (NM_001289063.2); c.2448G>A, p.Pro816= (NM_001289064.2); c.2649G>A, p.Pro883= (NM_001320970.2); c.2562G>A, p.Pro854= (NM_001320971.2).
Identifiers: ClinVar variation 1169235 (VCV001169235.41), dbSNP rs35100567, ClinGen allele CA9546321.